The following is an entry in ClinVar:

ClinVar aggregate classification (germline): Uncertain significance (1 of 4 stars; one submission).

Submission:

Labcorp Genetics (formerly Invitae), Labcorp
Classification: Uncertain significance. Last evaluated: 2024-04-06. Review status: criteria provided, single submitter. Criteria: Invitae Variant Classification Sherloc (09022015). Collection method: clinical testing. Allele origin: germline.
Comment: This sequence change replaces phenylalanine, which is neutral and non-polar, with serine, which is neutral and polar, at codon 9 of the RHO protein (p.Phe9Ser). Information on the frequency of this variant in the gnomAD database is not available, as this variant may be reported differently in the database. This variant has not been reported in the literature in individuals affected with RHO-related conditions. An algorithm developed to predict the effect of missense changes on protein structure and function (PolyPhen-2) suggests that this variant is likely to be disruptive. In summary, the available evidence is currently insufficient to determine the role of this variant in disease. Therefore, it has been classified as a Variant of Uncertain Significance.

NM_000539.3(RHO):c.25_26delinsAG (p.Phe9Ser)

Gene: RHO (rhodopsin; plus strand). Cytogenetic location: 3q22.1.
Variant type: Indel.
Coding change: c.25_26delinsAG on transcript NM_000539.3 (MANE Select); coding-DNA positions 25 to 26, TT replaced by AG.
Protein change: p.Phe9Ser; replaces phenylalanine 9 with serine.
Molecular consequence: missense variant.
Genome position (GRCh38, 1-based): chr3:129,528,758-129,528,759, TT replaced by AG. VCF-style: chr3-129528758-TT-AG. GRCh37 (hg19) VCF-style: chr3-129247601-TT-AG.
Other names: short protein forms F9S.
Identifiers: ClinVar variation 3648992 (VCV003648992.2).
Genomic context (GRCh38, chr3:129,528,758, plus strand): 5'-GGGAGCAGCCACGGGTCAGCCACAAGGGCCACAGCCATGAATGGCACAGAAGGCCCTAAC[TT>AG]CTACGTGCCCTTCTCCAATGCGACGGGTGTGGTACGCAGCCCCTTCGAGTACCCACAGTA-3'
Protein context (NP_000530.1, residues 1-19): MNGTEGPN[Phe9Ser]YVPFSNATGV